The following is an entry in ClinVar:

ClinVar aggregate classification (germline): Uncertain significance. Review status: criteria provided, multiple submitters, no conflicts (2 of 4 stars). 2 submissions from 2 submitters: Uncertain significance (2). Last evaluated 2026-02-03.

Conditions:
Hereditary cancer-predisposing syndrome. Also called: Neoplastic Syndromes, Hereditary; Tumor predisposition; Hereditary Cancer Syndrome; Hereditary neoplastic syndrome. Identifiers: Orphanet 140162, MedGen C0027672, MeSH D009386, MONDO:0015356.

Allele frequency attached by ClinVar (database versions not stated): gnomAD exomes below 0.00001.
gnomAD v4.1: 1 of 1,613,968 alleles (0.000062%); highest among the groups gnomAD compares: Non-Finnish European, 0.000085%; no homozygotes.

Submissions (2):

Labcorp Genetics (formerly Invitae), Labcorp
Classification: Uncertain significance. Last evaluated: 2026-02-03. Review status: criteria provided, single submitter. Criteria: Invitae Variant Classification Sherloc (09022015). Collection method: clinical testing. Allele origin: germline.
Comment: This sequence change replaces alanine, which is neutral and non-polar, with valine, which is neutral and non-polar, at codon 443 of the MSH3 protein (p.Ala443Val). This variant is not present in population databases (gnomAD no frequency). This variant has not been reported in the literature in individuals affected with MSH3-related conditions. ClinVar contains an entry for this variant (Variation ID: 652856). An algorithm developed to predict the effect of missense changes on protein structure and function outputs the following: PolyPhen-2: "Benign". The valine amino acid residue is found in multiple mammalian species, which suggests that this missense change does not adversely affect protein function. In summary, the available evidence is currently insufficient to determine the role of this variant in disease. Therefore, it has been classified as a Variant of Uncertain Significance.

Ambry Genetics
Classification: Uncertain significance for Hereditary cancer-predisposing syndrome. Last evaluated: 2024-07-28. Review status: criteria provided, single submitter. Criteria: Ambry Variant Classification Scheme 2023. Collection method: clinical testing. Allele origin: germline.
Comment: The p.A443V variant (also known as c.1328C>T), located in coding exon 8 of the MSH3 gene, results from a C to T substitution at nucleotide position 1328. The alanine at codon 443 is replaced by valine, an amino acid with similar properties. This amino acid position is not well conserved in available vertebrate species, and valine is the reference amino acid in other vertebrate species. In addition, this alteration is predicted to be tolerated by in silico analysis. Since supporting evidence is limited at this time, the clinical significance of this alteration remains unclear.

NM_002439.5(MSH3):c.1328C>T (p.Ala443Val)

Gene: MSH3 (mutS homolog 3; plus strand). Cytogenetic location: 5q14.1.
Variant type: single nucleotide variant.
Coding change: c.1328C>T on transcript NM_002439.5 (MANE Select); coding-DNA position 1328, C replaced by T.
Protein change: p.Ala443Val; replaces alanine 443 with valine.
Molecular consequence: missense variant.
Genome position (GRCh38, 1-based): chr5:80,679,081, C>T. VCF-style: chr5-80679081-C-T. GRCh37 (hg19) VCF-style: chr5-79974900-C-T.
Other names: short protein forms A443V.
Identifiers: ClinVar variation 652856 (VCV000652856.12), dbSNP rs1580556608, ClinGen allele CA360269132.
Genomic context (GRCh38, chr5:80,679,081, plus strand): 5'-CAGTAGAGCTGCTGCTTCCTTCGGCCTTGTCCGAGCAAACAGAGGCGCTCATCCACAGAG[C>T]CACATCTGTTAGGTAAGTTGGCACATCACTGGAATATAATACCGATTCTGAAACTTAGGT-3'
Protein context (NP_002430.3, residues 433-453): SEQTEALIHR[Ala443Val]TSVSVQDDRI